The following continues an entry in ClinVar:

NM_000257.4(MYH7):c.2348G>A (p.Arg783His)

ClinVar aggregate classification (germline): Conflicting classifications of pathogenicity. Pathogenic (2); Likely pathogenic (15); Uncertain significance (3).

Submissions 19 to 20 of 20:

Laboratory for Molecular Medicine, Mass General Brigham Personalized Medicine
Classification: Likely pathogenic for Hypertrophic cardiomyopathy. Last evaluated: 2019-12-09. Review status: criteria provided, single submitter. Criteria: ACMG Guidelines, 2015. Collection method: clinical testing. Allele origin: germline.
Comment: The p.Arg783His variant in MYH7 has been identified in at least 10 individuals with HCM (Berge 2014, Waldmuller 2008, Walsh 2016) and 1 individual with sudden cardiac death who also carried a frameshift variant in TTN (Shanks 2018). It has been reported in 4/129170 of European chromosomes by gnomAD and in ClinVar (Variation ID: 180437). Of note, this variant lies in the head region of the protein and missense variants in this region are statistically more likely to be disease-associated (Walsh 2016). In addition, several other variants involving this codon, p.Arg783Cys, p.Arg783Pro, and p.Arg783Gly, have also been identified in individuals with cardiomyopathy. Computational prediction tools and conservation analyses suggest that this variant may not impact the protein, though this information is not predictive enough to rule out pathogenicity. In summary, although additional studies are required to fully establish its clinical significance, this variant meets criteria to be classified as likely pathogenic. ACMG/AMP Criteria applied: PM1, PM2, PS4_Moderate, PM5_Supporting, BP4.

Juno Genomics, Hangzhou Juno Genomics, Inc
Classification: Likely pathogenic for Dilated cardiomyopathy 1S; Hypertrophic cardiomyopathy 1. Review status: criteria provided, single submitter. Criteria: ACMG Guidelines, 2015. Collection method: clinical testing. Allele origin: germline.
Comment: The prevalence of the variant in affected individuals is significantly increased compared to the prevalence in controls.;Novel missense change at an amino acid residue where a different missense change determined to be pathogenic has been seen before.;Located in a mutational hot spot and/or critical and well-established functional domain without benign variation.

Literature cited by the submitters: PubMed 18258667 (cited by 9 submitters); PubMed 25351510 (cited by 4 submitters); PubMed 27532257 (cited by 8 submitters); PubMed 27662471 (cited by 5 submitters); PubMed 30615648 (cited by 5 submitters); PubMed 30775854 (cited by 5 submitters); PubMed 31737537 (cited by Women's Health and Genetics/Laboratory Corporation of America, LabCorp and Ambry Genetics); PubMed 33673806 (cited by 6 submitters); PubMed 29915097 (cited by 7 submitters); PubMed 34542152 (cited by Women's Health and Genetics/Laboratory Corporation of America, LabCorp and Ambry Genetics); PubMed 35063694 (cited by 4 submitters); PubMed 35626289 (cited by Women's Health and Genetics/Laboratory Corporation of America, LabCorp and Labcorp Genetics (formerly Invitae), Labcorp); PubMed 35653365 (cited by Women's Health and Genetics/Laboratory Corporation of America, LabCorp and Variantyx, Inc.); PubMed 39843441 (cited by Women's Health and Genetics/Laboratory Corporation of America, LabCorp); PubMed 24111713 (cited by 7 submitters); PubMed 21211974 (cited by 3 submitters); PubMed 37652022 (cited by Variantyx, Inc.); PubMed 34621001 (cited by Ambry Genetics); PubMed 35456187 (cited by Ambry Genetics); PubMed 38186735 (cited by Ambry Genetics and Color Diagnostics, LLC DBA Color Health); PubMed 23396983 (cited by Victorian Clinical Genetics Services, Murdoch Childrens Research Institute); PubMed 24714796 (cited by Victorian Clinical Genetics Services, Murdoch Childrens Research Institute); PubMed 29300372 (cited by Victorian Clinical Genetics Services, Murdoch Childrens Research Institute); PubMed 27247418 (cited by 3billion).